The following is an entry in ClinVar:

NM_001184.4(ATR):c.2212G>A (p.Val738Met)

Gene: ATR (ATR checkpoint kinase; minus strand). Cytogenetic location: 3q23.
Variant type: single nucleotide variant.
Coding change: c.2212G>A on transcript NM_001184.4 (MANE Select); coding-DNA position 2212, G replaced by A.
Protein change: p.Val738Met; replaces valine 738 with methionine.
Molecular consequence: missense variant.
Genome position (GRCh38, 1-based): chr3:142,556,006, C>T on the plus strand (G>A on the coding strand, the complement: ATR is on the minus strand). VCF-style: chr3-142556006-C-T. GRCh37 (hg19) VCF-style: chr3-142274848-C-T.
Other names: c.2020G>A, p.Val674Met (NM_001354579.2); short protein forms V674M, V738M.
Identifiers: ClinVar variation 4998074 (VCV004998074.1).

ClinVar aggregate classification (germline): Uncertain significance (1 of 4 stars; one submission).

Conditions:
ATR-related disorder. Also called: ATR-related condition.

Submission:

PreventionGenetics, part of Exact Sciences
Classification: Uncertain significance for ATR-related condition. Last evaluated: 2025-06-25. Review status: criteria provided, single submitter. Criteria: ACMG Guidelines, 2015. Collection method: clinical testing. Allele origin: germline.
Comment: The ATR c.2212G>A variant is predicted to result in the amino acid substitution p.Val738Met. To our knowledge, this variant has not been reported in the literature or in a large population database (gnomAD), indicating this variant is rare. At this time, the clinical significance of this variant is uncertain due to the absence of conclusive functional and genetic evidence.